The following is an entry in ClinVar:

NM_003579.4(RAD54L):c.1538G>A (p.Ser513Asn)

Gene: RAD54L (RAD54 like; plus strand). Cytogenetic location: 1p34.1.
Variant type: single nucleotide variant.
Coding change: c.1538G>A on transcript NM_003579.4 (MANE Select); coding-DNA position 1538, G replaced by A.
Protein change: p.Ser513Asn; replaces serine 513 with asparagine.
Molecular consequence: missense variant.
Genome position (GRCh38, 1-based): chr1:46,273,675, G>A. VCF-style: chr1-46273675-G-A. GRCh37 (hg19) VCF-style: chr1-46739347-G-A.
Other names: c.1538G>A, p.Ser513Asn (NM_001142548.2); c.998G>A, p.Ser333Asn (NM_001370766.1); short protein forms S513N, S333N.
Identifiers: ClinVar variation 2447794 (VCV002447794.2), dbSNP rs2525713283, ClinGen allele CA340182132.

ClinVar aggregate classification (germline): Uncertain significance (1 of 4 stars; one submission).

Submission:

Ambry Genetics
Classification: Uncertain significance. Last evaluated: 2022-12-17. Review status: criteria provided, single submitter. Criteria: Ambry Variant Classification Scheme 2023. Collection method: clinical testing. Allele origin: germline.
Comment: The p.S513N variant (also known as c.1538G>A), located in coding exon 14 of the RAD54L gene, results from a G to A substitution at nucleotide position 1538. The serine at codon 513 is replaced by asparagine, an amino acid with highly similar properties. This amino acid position is conserved. In addition, this alteration is predicted to be tolerated by in silico analysis. Since supporting evidence is limited at this time, the clinical significance of this alteration remains unclear.